The following is an entry in ClinVar:

NM_130837.3(OPA1):c.402G>T (p.Trp134Cys)

Gene: OPA1 (OPA1 mitochondrial dynamin like GTPase; plus strand). Cytogenetic location: 3q29.
Variant type: single nucleotide variant.
Coding change: c.402G>T on transcript NM_130837.3 (MANE Select); coding-DNA position 402, G replaced by T.
Protein change: p.Trp134Cys; replaces tryptophan 134 with cysteine.
Molecular consequence: missense variant.
Genome position (GRCh38, 1-based): chr3:193,615,724, G>T. VCF-style: chr3-193615724-G-T. GRCh37 (hg19) VCF-style: chr3-193333513-G-T.
Other names: c.30G>T, p.Trp10Cys (NM_001354663.2, NM_001354664.2); c.402G>T, p.Trp134Cys (NM_015560.3, NM_130831.3, NM_130832.3 and 4 more transcripts); short protein forms W10C, W134C.
Identifiers: ClinVar variation 1470933 (VCV001470933.8), dbSNP rs1478806927, ClinGen allele CA355787154.

ClinVar aggregate classification (germline): Uncertain significance (1 of 4 stars; one submission).

Submission:

Labcorp Genetics (formerly Invitae), Labcorp
Classification: Uncertain significance. Last evaluated: 2020-10-28. Review status: criteria provided, single submitter. Criteria: Invitae Variant Classification Sherloc (09022015). Collection method: clinical testing. Allele origin: germline.
Comment: In summary, the available evidence is currently insufficient to determine the role of this variant in disease. Therefore, it has been classified as a Variant of Uncertain Significance. Advanced modeling of protein sequence and biophysical properties (such as structural, functional, and spatial information, amino acid conservation, physicochemical variation, residue mobility, and thermodynamic stability) performed at Invitae indicates that this missense variant is expected to disrupt OPA1 protein function. This variant has not been reported in the literature in individuals with OPA1-related conditions. This variant is not present in population databases (ExAC no frequency). This sequence change replaces tryptophan with cysteine at codon 134 of the OPA1 protein (p.Trp134Cys). The tryptophan residue is highly conserved and there is a large physicochemical difference between tryptophan and cysteine.